The following is an entry in ClinVar:

ClinVar aggregate classification (germline): Likely benign. Review status: criteria provided, multiple submitters, no conflicts (2 of 4 stars). 2 submissions from 2 submitters: Likely benign (2). Last evaluated 2026-02-01.

Conditions:
Androgen resistance syndrome (AIS). Also called: DIHYDROTESTOSTERONE RECEPTOR DEFICIENCY; Androgen insensitivity syndrome due to coactivator deficiency; Androgen insensitivity; ANDROGEN RECEPTOR DEFICIENCY; Androgen insensitivity, complete; TESTICULAR FEMINIZATION SYNDROME. Identifiers: Orphanet 754, Orphanet 99429, MedGen C0039585, MONDO:0019154, OMIM 300068. Disease mechanism: loss of function.
Kennedy disease (SMAX1). Also called: KENNEDY SPINAL AND BULBAR MUSCULAR ATROPHY; SPINAL AND BULBAR MUSCULAR ATROPHY, X-LINKED 1; Spinal and Bulbar Muscular Atrophy. Identifiers: Orphanet 481, MedGen C1839259, MONDO:0010735, OMIM 313200.

Allele frequency attached by ClinVar (database versions not stated): gnomAD exomes 0.00085; ExAC 0.00710.

Submissions (2):

CeGaT Center for Human Genetics Tuebingen
Classification: Likely benign. Last evaluated: 2026-02-01. Review status: criteria provided, single submitter. Criteria: CeGaT Center For Human Genetics Tuebingen Variant Classification Criteria Version 2. Collection method: clinical testing. Allele origin: germline. Affected: yes. Observed: 1 variant allele.
Comment: AR: BP4, BS2

Labcorp Genetics (formerly Invitae), Labcorp
Classification: Likely benign for Kennedy disease; Androgen resistance syndrome. Last evaluated: 2024-01-13. Review status: criteria provided, single submitter. Criteria: Invitae Variant Classification Sherloc (09022015). Collection method: clinical testing. Allele origin: germline.

NM_000044.6(AR):c.1374C>T (p.Gly458=)

Gene: AR (androgen receptor; plus strand). Cytogenetic location: Xq12.
Variant type: single nucleotide variant.
Coding change: c.1374C>T on transcript NM_000044.6 (MANE Select); coding-DNA position 1374, C replaced by T.
Protein change: p.Gly458=; no amino-acid change (glycine 458 retained).
Molecular consequence: synonymous variant. On other transcripts: 5 prime UTR variant (1).
Genome position (GRCh38, 1-based): chrX:67,546,520, C>T. VCF-style: chrX-67546520-C-T. GRCh37 (hg19) VCF-style: chrX-66766362-C-T.
Other names: c.-410C>T (NM_001011645.3); c.1374C>T, p.Gly458= (NM_001348061.1, NM_001348063.1, NM_001348064.1 and 1 more transcripts).
Identifiers: ClinVar variation 2948694 (VCV002948694.7), dbSNP rs777212456, ClinGen allele CA10436432.
Genomic context (GRCh38, chrX:67,546,520, plus strand): 5'-CTTCACAGCCGAAGAAGGCCAGTTGTATGGACCGTGTGGTGGTGGTGGGGGTGGTGGCGG[C>T]GGCGGCGGCGGCGGCGGCGGCGGCGGCGGCGGCGGCGGCGGCGGCGAGGCGGGAGCTGTA-3'
Protein context (NP_000035.2, residues 448-468): GPCGGGGGGG[Gly458=]GGGGGGGGGG